The following is an entry in ClinVar:

ClinVar aggregate classification (germline): Likely benign. Review status: criteria provided, multiple submitters, no conflicts (2 of 4 stars). 4 submissions from 4 submitters: Likely benign (3). 1 of the submissions does not count toward it. Last evaluated 2025-12-12.

Conditions:
Malignant hyperthermia, susceptibility to, 1 (MHS1). Also called: Anesthesia related hyperthermia; Malignant hyperpyrexia; Fulminating hyperpyrexia; Pharmacogenic myopathy; Malignant hyperthermia suceptibility 1; RYR1-Related Malignant Hyperthermia Susceptibility. Identifiers: Orphanet 423, MedGen C2930980, MONDO:0007783, OMIM 145600.
RYR1-related disorder. Also called: RYR1-related disorders; RYR1-related condition. Identifiers: MedGen CN239331.

Allele frequency attached by ClinVar (database versions not stated): gnomAD exomes below 0.00001.
gnomAD v4.1: 6 of 1,614,088 alleles (0.00037%); highest among the groups gnomAD compares: Non-Finnish European, 0.00051%; no homozygotes.

Submissions (4):

Labcorp Genetics (formerly Invitae), Labcorp
Classification: Likely benign for RYR1-related disorder. Last evaluated: 2025-12-12. Review status: criteria provided, single submitter. Criteria: Invitae Variant Classification Sherloc (09022015). Collection method: clinical testing. Allele origin: germline.

All of Us Research Program, National Institutes of Health
Classification: Likely benign for Malignant hyperthermia, susceptibility to, 1. Last evaluated: 2023-09-17. Review status: criteria provided, single submitter. Criteria: ACMG Guidelines, 2015. Collection method: clinical testing. Allele origin: germline. Inheritance: Autosomal dominant inheritance. Observed: 4 variant alleles, 4 heterozygotes.
Comment: This study involves interpretation of variants in research participants for the purpose of population health screening. Participant phenotype was not available at the time of variant classification. Additional details can be found in publication PMID: 35346344, PMCID: PMC8962531

Color Diagnostics, LLC DBA Color Health
Classification: Likely benign for Malignant hyperthermia, susceptibility to, 1. Last evaluated: 2022-11-06. Review status: criteria provided, single submitter. Criteria: ACMG Guidelines, 2015. Collection method: clinical testing. Allele origin: germline.

PreventionGenetics, part of Exact Sciences
Classification: Likely benign for RYR1-related condition. Last evaluated: 2024-08-22. Review status: no assertion criteria provided. Collection method: clinical testing. Allele origin: germline. Not counted in ClinVar's aggregate classification.
Comment: This variant is classified as likely benign based on ACMG/AMP sequence variant interpretation guidelines (Richards et al. 2015 PMID: 25741868, with internal and published modifications).

NM_000540.3(RYR1):c.12120C>T (p.Ala4040=)

Gene: RYR1 (ryanodine receptor 1; plus strand). Cytogenetic location: 19q13.2.
Variant type: single nucleotide variant.
Coding change: c.12120C>T on transcript NM_000540.3 (MANE Select); coding-DNA position 12120, C replaced by T.
Protein change: p.Ala4040=; no amino-acid change (alanine 4040 retained).
Molecular consequence: synonymous variant.
Genome position (GRCh38, 1-based): chr19:38,548,258, C>T. VCF-style: chr19-38548258-C-T. GRCh37 (hg19) VCF-style: chr19-39038898-C-T.
Other names: c.12105C>T, p.Ala4035= (NM_001042723.2).
Identifiers: ClinVar variation 741874 (VCV000741874.12), dbSNP rs759996435, ClinGen allele CA058328.